The following is an entry in ClinVar:

NM_003793.4(CTSF):c.1267C>T (p.Leu423Phe)

Gene: CTSF (cathepsin F; minus strand). Cytogenetic location: 11q13.2.
Variant type: single nucleotide variant.
Coding change: c.1267C>T on transcript NM_003793.4 (MANE Select); coding-DNA position 1267, C replaced by T.
Protein change: p.Leu423Phe; replaces leucine 423 with phenylalanine.
Molecular consequence: missense variant.
Genome position (GRCh38, 1-based): chr11:66,564,612, G>A on the plus strand (C>T on the coding strand, the complement: CTSF is on the minus strand). VCF-style: chr11-66564612-G-A. GRCh37 (hg19) VCF-style: chr11-66332083-G-A.
Other names: short protein forms L423F.
Identifiers: ClinVar variation 2011036 (VCV002011036.4), dbSNP rs1285792511, ClinGen allele CA381456595.

ClinVar aggregate classification (germline): Uncertain significance (1 of 4 stars; one submission).

Conditions:
Neuronal ceroid lipofuscinosis 13 (CLN13). Also called: CLN13 Disease; CEROID LIPOFUSCINOSIS, NEURONAL, 13 (KUFS TYPE). Identifiers: Orphanet 352709, Orphanet 79262, MedGen C3715049, MONDO:0014147, OMIM 615362.

Submission:

Labcorp Genetics (formerly Invitae), Labcorp
Classification: Uncertain significance for Neuronal ceroid lipofuscinosis 13. Last evaluated: 2022-09-07. Review status: criteria provided, single submitter. Criteria: Invitae Variant Classification Sherloc (09022015). Collection method: clinical testing. Allele origin: germline.
Comment: This sequence change replaces leucine, which is neutral and non-polar, with phenylalanine, which is neutral and non-polar, at codon 423 of the CTSF protein (p.Leu423Phe). This variant is not present in population databases (gnomAD no frequency). This variant has not been reported in the literature in individuals affected with CTSF-related conditions. Algorithms developed to predict the effect of missense changes on protein structure and function are either unavailable or do not agree on the potential impact of this missense change (SIFT: "Tolerated"; PolyPhen-2: "Possibly Damaging"; Align-GVGD: "Class C0"). In summary, the available evidence is currently insufficient to determine the role of this variant in disease. Therefore, it has been classified as a Variant of Uncertain Significance.